The following is an entry in ClinVar:

NM_024685.4(BBS10):c.397C>G (p.Leu133Val)

Gene: BBS10 (Bardet-Biedl syndrome 10; minus strand). Cytogenetic location: 12q21.2.
Variant type: single nucleotide variant.
Coding change: c.397C>G on transcript NM_024685.4 (MANE Select); coding-DNA position 397, C replaced by G.
Protein change: p.Leu133Val; replaces leucine 133 with valine.
Molecular consequence: missense variant.
Genome position (GRCh38, 1-based): chr12:76,347,588, G>C on the plus strand (C>G on the coding strand, the complement: BBS10 is on the minus strand). VCF-style: chr12-76347588-G-C. GRCh37 (hg19) VCF-style: chr12-76741368-G-C.
Other names: c.397C>G (NM_024685.3); short protein forms L133V.
Identifiers: ClinVar variation 1396680 (VCV001396680.7), dbSNP rs750446869, ClinGen allele CA6694358.

ClinVar aggregate classification (germline): Uncertain significance. Review status: criteria provided, multiple submitters, no conflicts (2 of 4 stars). 3 submissions from 3 submitters: Uncertain significance (3). Last evaluated 2025-05-19.

Conditions:
Bardet-Biedl syndrome (BBS). Identifiers: Orphanet 110, MedGen C0752166, MONDO:0015229.
BBS10-related disorder. Also called: BBS10-related condition.
Inborn genetic diseases. Identifiers: MedGen C0950123, MeSH D030342.

Allele frequency attached by ClinVar (database versions not stated): gnomAD exomes below 0.00001; gnomAD 0.00001; ExAC 0.00002; TOPMed 0.00002.

Submissions (3):

Ambry Genetics
Classification: Uncertain significance for Inborn genetic diseases. Last evaluated: 2025-05-19. Review status: criteria provided, single submitter. Criteria: Ambry Variant Classification Scheme 2023. Collection method: clinical testing. Allele origin: germline.

PreventionGenetics, part of Exact Sciences
Classification: Uncertain significance for BBS10-related condition. Last evaluated: 2025-02-05. Review status: criteria provided, single submitter. Criteria: ACMG Guidelines, 2015. Collection method: clinical testing. Allele origin: germline.
Comment: The BBS10 c.397C>G variant is predicted to result in the amino acid substitution p.Leu133Val. To our knowledge, this variant has not been reported in the literature. This variant is reported in 0.0016% of alleles in individuals of European (Non-Finnish) descent in gnomAD. At this time, the clinical significance of this variant is uncertain due to the absence of conclusive functional and genetic evidence.

Labcorp Genetics (formerly Invitae), Labcorp
Classification: Uncertain significance for Bardet-Biedl syndrome. Last evaluated: 2022-03-09. Review status: criteria provided, single submitter. Criteria: Invitae Variant Classification Sherloc (09022015). Collection method: clinical testing. Allele origin: germline.
Comment: This sequence change replaces leucine, which is neutral and non-polar, with valine, which is neutral and non-polar, at codon 133 of the BBS10 protein (p.Leu133Val). This variant is present in population databases (rs750446869, gnomAD 0.002%), including at least one homozygous and/or hemizygous individual. This variant has not been reported in the literature in individuals affected with BBS10-related conditions. Algorithms developed to predict the effect of missense changes on protein structure and function are either unavailable or do not agree on the potential impact of this missense change (SIFT: "Deleterious"; PolyPhen-2: "Benign"; Align-GVGD: "Class C0"). In summary, the available evidence is currently insufficient to determine the role of this variant in disease. Therefore, it has been classified as a Variant of Uncertain Significance.